The following is an entry in ClinVar:

NM_001130987.2(DYSF):c.2566-1496_3203del

Gene: DYSF (dysferlin; plus strand). Cytogenetic location: 2p13.2.
Variant type: Deletion.
Coding change: c.2566-1496_3203del on transcript NM_001130987.2 (MANE Select); 1496 bases into the intron before coding-DNA position 2566 through coding-DNA position 3203, 4,262 bases deleted.
Molecular consequence: splice acceptor variant, splice donor variant.
Genome position (GRCh38, 1-based): chr2:71,566,455-71,570,716, 4,262 bases deleted. GRCh37 (hg19): chr2:71,793,585-71,797,846.
Other names: c.2473-1496_3110del (NM_001130984.2, NM_001130986.2); c.2512-1496_3149del (NM_003494.4, NM_001130978.2); c.2470-1496_3107del (NM_001130977.2, NM_001130976.2); c.2608-1496_3245del (NM_001130982.2); c.2566-1496_3203del (NM_001130985.2); c.2515-1496_3152del (NM_001130983.2, NM_001130455.2); c.2605-1496_3242del (NM_001130979.2); c.2563-1496_3200del (NM_001130981.2, NM_001130980.2).
Identifiers: ClinVar variation 655612 (VCV000655612.2), ClinGen allele CA915942535.

ClinVar aggregate classification (germline): Pathogenic (1 of 4 stars; one submission).

Conditions:
Neuromuscular disease caused by qualitative or quantitative defects of dysferlin. Also called: Qualitative or quantitative defects of dysferlin; Dysferlinopathy. Identifiers: Orphanet 207073, MedGen C2931687, MONDO:0016145.

Submission:

Labcorp Genetics (formerly Invitae), Labcorp
Classification: Pathogenic for Qualitative or quantitative defects of dysferlin. Last evaluated: 2019-01-29. Review status: criteria provided, single submitter. Criteria: Invitae Variant Classification Sherloc (09022015). Collection method: clinical testing. Allele origin: germline.
Comment: This variant is a deletion of the genomic region encompassing exons 25-28 and part of exon 29 (c.2512-1496_3149del) of the DYSF gene. It is expected to disrupt RNA splicing and likely results in an absent or disrupted protein product. This variant has not been reported in the literature in individuals with DYSF-related conditions. This variant disrupts the p.Arg959 amino acid residue in DYSF. Other variant(s) that disrupt this residue have been observed in affected individuals (PMID: 14678801, 22194990, 19528035, 16934466, 17070050), suggesting that it is a clinically significant residue. As a result, variants that disrupt this residue are likely to be causative of disease. Loss-of-function variants in DYSF are known to be pathogenic (PMID: 17698709, 20301480). For these reasons, this variant has been classified as Pathogenic.

Literature cited by the submitters: PubMed 17070050; PubMed 22194990; PubMed 19528035; PubMed 16934466; PubMed 14678801.